The following is an entry in ClinVar:

NM_024589.3(ROGDI):c.421G>A (p.Glu141Lys)

Gene: ROGDI (rogdi atypical leucine zipper; minus strand). Cytogenetic location: 16p13.3.
Variant type: single nucleotide variant.
Coding change: c.421G>A on transcript NM_024589.3 (MANE Select); coding-DNA position 421, G replaced by A.
Protein change: p.Glu141Lys; replaces glutamic acid 141 with lysine.
Molecular consequence: missense variant. On other transcripts: non-coding transcript variant (1).
Genome position (GRCh38, 1-based): chr16:4,799,697, C>T on the plus strand (G>A on the coding strand, the complement: ROGDI is on the minus strand). VCF-style: chr16-4799697-C-T. GRCh37 (hg19) VCF-style: chr16-4849698-C-T.
Other names: short protein forms E141K.
Identifiers: ClinVar variation 2015203 (VCV002015203.4), dbSNP rs2505721653, ClinGen allele CA394653200.

ClinVar aggregate classification (germline): Uncertain significance (1 of 4 stars; one submission).

Conditions:
Amelocerebrohypohidrotic syndrome (KTZS). Also called: EPILEPSY AND YELLOW TEETH; EPILEPSY, DEMENTIA, AND AMELOGENESIS IMPERFECTA; KOHLSCHUTTER SYNDROME; Kohlschutter's syndrome. Identifiers: Orphanet 1946, MedGen C0406740, MONDO:0009185, OMIM 226750.

Submission:

Labcorp Genetics (formerly Invitae), Labcorp
Classification: Uncertain significance for Amelocerebrohypohidrotic syndrome. Last evaluated: 2022-07-25. Review status: criteria provided, single submitter. Criteria: Invitae Variant Classification Sherloc (09022015). Collection method: clinical testing. Allele origin: germline.
Comment: In summary, the available evidence is currently insufficient to determine the role of this variant in disease. Therefore, it has been classified as a Variant of Uncertain Significance. Algorithms developed to predict the effect of missense changes on protein structure and function are either unavailable or do not agree on the potential impact of this missense change (SIFT: "Tolerated"; PolyPhen-2: "Possibly Damaging"; Align-GVGD: "Class C0"). This variant has not been reported in the literature in individuals affected with ROGDI-related conditions. This variant is not present in population databases (gnomAD no frequency). This sequence change replaces glutamic acid, which is acidic and polar, with lysine, which is basic and polar, at codon 141 of the ROGDI protein (p.Glu141Lys).